The following is an entry in ClinVar:

ClinVar aggregate classification (germline): Conflicting classifications of pathogenicity. Review status: criteria provided, conflicting classifications (1 of 4 stars). 4 submissions from 4 submitters: Uncertain significance (1); Benign (1); Likely benign (2). Last evaluated 2025-07-13.

Conditions:
Hereditary cancer-predisposing syndrome. Also called: Hereditary neoplastic syndrome; Tumor predisposition; Neoplastic Syndromes, Hereditary; Hereditary Cancer Syndrome. Identifiers: Orphanet 140162, MedGen C0027672, MeSH D009386, MONDO:0015356.
Tuberous sclerosis 2 (TSC2). Identifiers: Orphanet 805, MedGen C1860707, MONDO:0013199, OMIM 613254.
Isolated focal cortical dysplasia type II (FCORD2). Also called: Focal cortical dysplasia type II; CORTICAL DYSPLASIA OF TAYLOR. Identifiers: Orphanet 268994, MedGen C1846385, MONDO:0011818, OMIM 607341, HP:0032051.
Lymphangiomyomatosis (LAM). Also called: Lymphangioleiomyomatosis, somatic; Lymphangioleiomyomatosis. Identifiers: Orphanet 538, MedGen C0751674, MONDO:0011705, OMIM 606690.

Allele frequency attached by ClinVar (database versions not stated): gnomAD exomes below 0.00001 and 0.00002; gnomAD 0.00001; TOPMed 0.00001; ExAC 0.00003; 1000 Genomes Project 30x 0.00016; 1000 Genomes Project 0.00020.
gnomAD v4.1: 5 of 1,613,602 alleles (0.00031%); highest among the groups gnomAD compares: East Asian, 0.0089%; no homozygotes.

Submissions (4):

Labcorp Genetics (formerly Invitae), Labcorp
Classification: Benign for Tuberous sclerosis 2. Last evaluated: 2025-07-13. Review status: criteria provided, single submitter. Criteria: Invitae Variant Classification Sherloc (09022015). Collection method: clinical testing. Allele origin: germline.

Myriad Genetics, Inc.
Classification: Likely benign for Tuberous sclerosis 2. Last evaluated: 2025-05-13. Review status: criteria provided, single submitter. Criteria: Myriad Autosomal Dominant, Autosomal Recessive and X-Linked Classification Criteria (2023). Collection method: clinical testing. Allele origin: unknown.
Comment: This variant is considered likely benign. This variant has been observed at a population frequency that is significantly greater than expected given the associated disease prevalence and penetrance.

Ambry Genetics
Classification: Likely benign for Hereditary cancer-predisposing syndrome. Last evaluated: 2022-09-23. Review status: criteria provided, single submitter. Criteria: Ambry Variant Classification Scheme 2023. Collection method: clinical testing. Allele origin: germline.

Fulgent Genetics
Classification: Uncertain significance for Lymphangiomyomatosis; Isolated focal cortical dysplasia type II; Tuberous sclerosis 2. Last evaluated: 2022-04-21. Review status: criteria provided, single submitter. Criteria: ACMG Guidelines, 2015. Collection method: clinical testing. Allele origin: unknown.

NM_000548.5(TSC2):c.1113G>C (p.Gln371His)

Gene: TSC2 (TSC complex subunit 2; plus strand). Cytogenetic location: 16p13.3.
Variant type: single nucleotide variant.
Coding change: c.1113G>C on transcript NM_000548.5 (MANE Select); coding-DNA position 1113, G replaced by C.
Protein change: p.Gln371His; replaces glutamine 371 with histidine.
Molecular consequence: missense variant.
Genome position (GRCh38, 1-based): chr16:2,060,807, G>C. VCF-style: chr16-2060807-G-C. GRCh37 (hg19) VCF-style: chr16-2110808-G-C.
Other names: c.1113G>C, p.Gln371His (NM_001077183.3, NM_001114382.3, NM_001363528.2 and 3 more transcripts); c.1002G>C, p.Gln334His (NM_001318827.2); c.966G>C, p.Gln322His (NM_001318829.2); c.513G>C, p.Gln171His (NM_001318831.2); c.1146G>C, p.Gln382His (NM_001318832.2); short protein forms Q322H, Q371H, Q171H, Q334H, Q382H.
Identifiers: ClinVar variation 960741 (VCV000960741.14), dbSNP rs571767462, ClinGen allele CA028182.
Genomic context (GRCh38, chr16:2,060,807, plus strand): 5'-GGAGCTCCAGGTGGTGGCGTGGGACATTCTGCTGAACATCATCGAACGGCTCCTTCAGCA[G>C]CTCCAGGTGGGGTGGGGGCAGGAGCTCCGGGGAGCACCGGGAACCCAGACAGGCAGGCTC-3'
Protein context (NP_000539.2, residues 361-381): LLNIIERLLQ[Gln371His]LQTLDSPELR